The following is an entry in ClinVar:

ClinVar aggregate classification (germline): Uncertain significance. Review status: criteria provided, multiple submitters, no conflicts (2 of 4 stars). 3 submissions from 3 submitters: Uncertain significance (3). Last evaluated 2025-11-19.

Conditions:
Inborn genetic diseases. Identifiers: MedGen C0950123, MeSH D030342.
Central core myopathy (CMYO1A). Also called: Central core disease; Myopathy, central fibrillar; CONGENITAL MYOPATHY 1A, AUTOSOMAL DOMINANT, WITH SUSCEPTIBILITY TO MALIGNANT HYPERTHERMIA. Identifiers: Orphanet 597, MedGen C5830701, MONDO:0007294, OMIM 117000.
Malignant hyperthermia, susceptibility to, 1 (MHS1). Also called: Anesthesia related hyperthermia; Malignant hyperpyrexia; Fulminating hyperpyrexia; Pharmacogenic myopathy; RYR1-Related Malignant Hyperthermia Susceptibility; Malignant hyperthermia suceptibility 1. Identifiers: Orphanet 423, MedGen C2930980, MONDO:0007783, OMIM 145600.

Allele frequency attached by ClinVar (database versions not stated): gnomAD exomes below 0.00001; ExAC 0.00001.
gnomAD v4.1: 1 of 1,614,134 alleles (0.000062%); highest among the groups gnomAD compares: South Asian, 0.0011%; no homozygotes.

Submissions (3):

Ambry Genetics
Classification: Uncertain significance for Inborn genetic diseases. Last evaluated: 2025-11-19. Review status: criteria provided, single submitter. Criteria: Ambry Variant Classification Scheme 2023. Collection method: clinical testing. Allele origin: germline.

All of Us Research Program, National Institutes of Health
Classification: Uncertain significance for Malignant hyperthermia, susceptibility to, 1. Last evaluated: 2023-06-28. Review status: criteria provided, single submitter. Criteria: ACMG Guidelines, 2015. Collection method: clinical testing. Allele origin: germline. Inheritance: Autosomal dominant inheritance. Observed: 1 variant allele, 1 heterozygote.
Comment: This study involves interpretation of variants in research participants for the purpose of population health screening. Participant phenotype was not available at the time of variant classification. Additional details can be found in publication PMID: 35346344, PMCID: PMC8962531

Neuberg Centre For Genomic Medicine, NCGM
Classification: Uncertain significance for Central core myopathy. Review status: criteria provided, single submitter. Criteria: ACMG Guidelines, 2015. Collection method: clinical testing. Allele origin: germline. Inheritance: Autosomal dominant inheritance. Affected: yes.
Comment: The missense variant in c.334C>T in RYR1 gene has not been reported previously as a pathogenic variant nor as a benign variant, to our knowledge. The p.His112Tyr variant is novel (not in any individuals) in gnomAD Exomes and 1000 Genomes. The amino acid change p.His112Tyr in RYR1 is predicted as conserved by GERP++ and PhyloP across 100 vertebrates. The amino acid His at position 112 is changed to a Tyr changing protein sequence and it might alter its composition and physico-chemical properties. For these reasons, this variant has been classified as Uncertain Significance (VUS).

NM_000540.3(RYR1):c.334C>T (p.His112Tyr)

Gene: RYR1 (ryanodine receptor 1; plus strand). Cytogenetic location: 19q13.2.
Variant type: single nucleotide variant.
Coding change: c.334C>T on transcript NM_000540.3 (MANE Select); coding-DNA position 334, C replaced by T.
Protein change: p.His112Tyr; replaces histidine 112 with tyrosine.
Molecular consequence: missense variant.
Genome position (GRCh38, 1-based): chr19:38,443,621, C>T. VCF-style: chr19-38443621-C-T. GRCh37 (hg19) VCF-style: chr19-38934261-C-T.
Other names: c.334C>T, p.His112Tyr (NM_001042723.2); short protein forms H112Y.
Identifiers: ClinVar variation 2584942 (VCV002584942.3), dbSNP rs750700136, ClinGen allele CA064700.